The following is an entry in ClinVar:

ClinVar aggregate classification (germline): Uncertain significance (1 of 4 stars; one submission).

Conditions:
Hereditary cancer-predisposing syndrome. Also called: Hereditary Cancer Syndrome; Neoplastic Syndromes, Hereditary; Hereditary neoplastic syndrome; Tumor predisposition. Identifiers: Orphanet 140162, MedGen C0027672, MeSH D009386, MONDO:0015356.

Submission:

Ambry Genetics
Classification: Uncertain significance for Hereditary cancer-predisposing syndrome. Last evaluated: 2013-05-16. Review status: criteria provided, single submitter. Criteria: Ambry Autosomal Dominant and X-Linked criteria (10/2015). Collection method: clinical testing. Allele origin: germline. Observed: 1 variant allele.
Comment: Co-segregation data for this variant is currently unavailable. Allele frequency data in population-based cohorts is not currently available. This amino acid position is well conserved through mammals. This alteration is predicted to be possibly damaging with a score of 0.883 (sensitivity: 0.71; specificity: 0.89)This alteration is predicted to be deleterious with a score of 0.000 (conservation: 1.49)

NM_005732.4(RAD50):c.574C>T (p.Leu192Phe)

Gene: RAD50 (RAD50 double strand break repair protein; plus strand). Cytogenetic location: 5q31.1.
Variant type: single nucleotide variant.
Coding change: c.574C>T on transcript NM_005732.4 (MANE Select); coding-DNA position 574, C replaced by T.
Protein change: p.Leu192Phe; replaces leucine 192 with phenylalanine.
Molecular consequence: missense variant.
Genome position (GRCh38, 1-based): chr5:132,579,884, C>T. VCF-style: chr5-132579884-C-T. GRCh37 (hg19) VCF-style: chr5-131915576-C-T.
Other names: short protein forms L192F.
Identifiers: ClinVar variation 142515 (VCV000142515.3), dbSNP rs587782515, ClinGen allele CA168570.
Genomic context (GRCh38, chr5:132,579,884, plus strand): 5'-TTTGCCAGAAATTTGATTTTTGTTTCATATCTTCAAAGATACATTAAAGCCTTAGAAACA[C>T]TTCGGCAGGTACGTCAGACACAAGGTCAGAAAGTAAAAGAATATCAAATGGAACTAAAAT-3'
Protein context (NP_005723.2, residues 182-202): ATRYIKALET[Leu192Phe]RQVRQTQGQK